The following is an entry in ClinVar:

NM_004385.5(VCAN):c.1023T>G (p.Phe341Leu)

Gene: VCAN (versican; plus strand). Cytogenetic location: 5q14.3.
Variant type: single nucleotide variant.
Coding change: c.1023T>G on transcript NM_004385.5 (MANE Select); coding-DNA position 1023, T replaced by G.
Protein change: p.Phe341Leu; replaces phenylalanine 341 with leucine.
Molecular consequence: missense variant.
Genome position (GRCh38, 1-based): chr5:83,512,377, T>G. VCF-style: chr5-83512377-T-G. GRCh37 (hg19) VCF-style: chr5-82808196-T-G.
Other names: c.1023T>G, p.Phe341Leu (NM_001126336.3, NM_001164097.2, NM_001164098.2); short protein forms F341L.
Identifiers: ClinVar variation 2107396 (VCV002107396.4), dbSNP rs2479024192, ClinGen allele CA360298408.
Genomic context (GRCh38, chr5:83,512,377, plus strand): 5'-GGTGAGAACCCTGTATCGTTTTGAGAACCAGACAGGCTTCCCTCCCCCTGATAGCAGATT[T>G]GATGCCTACTGCTTTAAACGTAAGTGTTTGATACCTTTTTAAAAATTACAGTTTTAAAAA-3'
Protein context (NP_004376.2, residues 331-351): QTGFPPPDSR[Phe341Leu]DAYCFKPKEA

ClinVar aggregate classification (germline): Uncertain significance (1 of 4 stars; one submission).

Submission:

Labcorp Genetics (formerly Invitae), Labcorp
Classification: Uncertain significance. Last evaluated: 2021-12-06. Review status: criteria provided, single submitter. Criteria: Invitae Variant Classification Sherloc (09022015). Collection method: clinical testing. Allele origin: germline.
Comment: In summary, the available evidence is currently insufficient to determine the role of this variant in disease. Therefore, it has been classified as a Variant of Uncertain Significance. Algorithms developed to predict the effect of missense changes on protein structure and function are either unavailable or do not agree on the potential impact of this missense change (SIFT: "Deleterious"; PolyPhen-2: "Possibly Damaging"; Align-GVGD: "Class C0"). This variant has not been reported in the literature in individuals affected with VCAN-related conditions. This variant is not present in population databases (gnomAD no frequency). This sequence change replaces phenylalanine, which is neutral and non-polar, with leucine, which is neutral and non-polar, at codon 341 of the VCAN protein (p.Phe341Leu).